The following is an entry in ClinVar:

ClinVar aggregate classification (germline): Uncertain significance (1 of 4 stars; one submission).

Conditions:
PSEN2-related disorder. Also called: PSEN2-related condition.

Submission:

PreventionGenetics, part of Exact Sciences
Classification: Uncertain significance for PSEN2-related condition. Last evaluated: 2023-05-17. Review status: criteria provided, single submitter. Criteria: ACMG Guidelines, 2015. Collection method: clinical testing. Allele origin: germline.
Comment: The PSEN2 c.2T>G variant is predicted to disrupt the translation initiation site (Start Loss). To our knowledge, this variant has not been reported in the literature or in a large population database, indicating this variant is rare. Most of the documented pathogenic variants in PSEN2 are missense variants and start loss variants in PSEN2 have not been reported. At this time, the clinical significance of this variant is uncertain due to the absence of conclusive functional and genetic evidence.

NM_000447.3(PSEN2):c.2T>G (p.Met1Arg)

Gene: PSEN2 (presenilin 2; plus strand). Cytogenetic location: 1q42.13.
Variant type: single nucleotide variant.
Coding change: c.2T>G on transcript NM_000447.3 (MANE Select); coding-DNA position 2, T replaced by G.
Protein change: p.Met1Arg; changes the start codon (methionine 1).
Molecular consequence: missense variant, initiator codon variant.
Genome position (GRCh38, 1-based): chr1:226,881,909, T>G. VCF-style: chr1-226881909-T-G. GRCh37 (hg19) VCF-style: chr1-227069610-T-G.
Other names: c.2T>G, p.Met1Arg (NM_012486.3); short protein forms M1R.
Identifiers: ClinVar variation 2632528 (VCV002632528.1), dbSNP rs762674312, ClinGen allele CA345329147.